The following is an entry in ClinVar:

NM_001291867.2(NHS):c.3792C>A (p.Thr1264=)

Gene: NHS (NHS actin remodeling regulator; plus strand). Cytogenetic location: Xp22.13.
Variant type: single nucleotide variant.
Coding change: c.3792C>A on transcript NM_001291867.2 (MANE Select); coding-DNA position 3792, C replaced by A.
Protein change: p.Thr1264=; no amino-acid change (threonine 1264 retained).
Molecular consequence: synonymous variant.
Genome position (GRCh38, 1-based): chrX:17,727,898, C>A. VCF-style: chrX-17727898-C-A. GRCh37 (hg19) VCF-style: chrX-17746018-C-A.
Other names: c.3729C>A (NM_198270.3); c.3261C>A, p.Thr1087= (NM_001136024.4); c.3198C>A, p.Thr1066= (NM_001291868.2); c.3729C>A, p.Thr1243= (NM_198270.4).
Identifiers: ClinVar variation 2868446 (VCV002868446.5), dbSNP rs1439819880, ClinGen allele CA515626534.
Genomic context (GRCh38, chrX:17,727,898, plus strand): 5'-AAATGTCACAAAAGACCAAGTGCGTACAGAGACTGAGCCTATTCCAGAAAACACGCCAAC[C>A]AAAAACTGTGCTTTTCCCACAGAAGGATTTCAGAGGGTCTCTGCTGCCCGCCCAAATGAT-3'
Protein context (NP_001278796.1, residues 1254-1274): ETEPIPENTP[Thr1264=]KNCAFPTEGF

ClinVar aggregate classification (germline): Likely benign. Review status: criteria provided, single submitter (1 of 4 stars). 2 submissions from 2 submitters: Likely benign (1). 1 of the submissions does not count toward it. Last evaluated 2024-12-24.

Conditions:
NHS-related disorder. Also called: NHS-related condition.
Nance-Horan syndrome (NHS). Identifiers: Orphanet 627, MedGen C0796085, MONDO:0010545, OMIM 302350.

Allele frequency attached by ClinVar (database versions not stated): gnomAD exomes below 0.00001; TOPMed 0.00001.
gnomAD v4.1: 2 of 1,211,745 alleles (0.00017%); highest among the groups gnomAD compares: Non-Finnish European, 0.00011%; no homozygotes.

Submissions (2):

Labcorp Genetics (formerly Invitae), Labcorp
Classification: Likely benign for Nance-Horan syndrome. Last evaluated: 2024-12-24. Review status: criteria provided, single submitter. Criteria: Invitae Variant Classification Sherloc (09022015). Collection method: clinical testing. Allele origin: germline.

PreventionGenetics, part of Exact Sciences
Classification: Likely benign for NHS-related condition. Last evaluated: 2019-05-24. Review status: no assertion criteria provided. Collection method: clinical testing. Allele origin: germline. Not counted in ClinVar's aggregate classification.
Comment: This variant is classified as likely benign based on ACMG/AMP sequence variant interpretation guidelines (Richards et al. 2015 PMID: 25741868, with internal and published modifications).